The following is an entry in ClinVar:

NM_005208.5(CRYBA1):c.51G>C (p.Lys17Asn)

Gene: CRYBA1 (crystallin beta A1; plus strand). Cytogenetic location: 17q11.2.
Variant type: single nucleotide variant.
Coding change: c.51G>C on transcript NM_005208.5 (MANE Select); coding-DNA position 51, G replaced by C.
Protein change: p.Lys17Asn; replaces lysine 17 with asparagine.
Molecular consequence: missense variant.
Genome position (GRCh38, 1-based): chr17:29,249,161, G>C. VCF-style: chr17-29249161-G-C. GRCh37 (hg19) VCF-style: chr17-27576179-G-C.
Other names: short protein forms K17N.
Identifiers: ClinVar variation 3368381 (VCV003368381.1).

ClinVar aggregate classification (germline): Uncertain significance (1 of 4 stars; one submission).

gnomAD v4.1: 2 of 1,613,392 alleles (0.00012%); highest among the groups gnomAD compares: African/African-American, 0.0027%; no homozygotes.

Submission:

GeneDx
Classification: Uncertain significance. Last evaluated: 2024-01-29. Review status: criteria provided, single submitter. Criteria: GeneDx Variant Classification Process June 2021. Collection method: clinical testing. Allele origin: germline. Affected: yes.
Comment: Not observed at significant frequency in large population cohorts (gnomAD); In silico analysis supports that this missense variant does not alter protein structure/function; Has not been previously published as pathogenic or benign to our knowledge